The following is an entry in ClinVar:

NM_001367561.1(DOCK7):c.1582C>G (p.Leu528Val)

Gene: DOCK7 (dedicator of cytokinesis 7; minus strand). Cytogenetic location: 1p31.3.
Variant type: single nucleotide variant.
Coding change: c.1582C>G on transcript NM_001367561.1 (MANE Select); coding-DNA position 1582, C replaced by G.
Protein change: p.Leu528Val; replaces leucine 528 with valine.
Molecular consequence: missense variant.
Genome position (GRCh38, 1-based): chr1:62,618,806, G>C on the plus strand (C>G on the coding strand, the complement: DOCK7 is on the minus strand). VCF-style: chr1-62618806-G-C. GRCh37 (hg19) VCF-style: chr1-63084477-G-C.
Other names: c.1582C>G, p.Leu528Val (NM_001271999.2, NM_001272000.2, NM_001272001.2 and 3 more transcripts); short protein forms L528V.
Identifiers: ClinVar variation 960427 (VCV000960427.10), dbSNP rs1557811010, ClinGen allele CA340612702.

ClinVar aggregate classification (germline): Uncertain significance (1 of 4 stars; one submission).

Conditions:
Developmental and epileptic encephalopathy, 23 (DEE23). Also called: Epileptic encephalopathy, early infantile, 23. Identifiers: Orphanet 411986, MedGen C4014492, MONDO:0014371, OMIM 615859.

Allele frequency attached by ClinVar (database versions not stated): gnomAD exomes below 0.00001.
gnomAD v4.1: 3 of 1,613,730 alleles (0.00019%); highest among the groups gnomAD compares: South Asian, 0.0022%; no homozygotes.

Submission:

Labcorp Genetics (formerly Invitae), Labcorp
Classification: Uncertain significance for Developmental and epileptic encephalopathy, 23. Last evaluated: 2019-08-13. Review status: criteria provided, single submitter. Criteria: Invitae Variant Classification Sherloc (09022015). Collection method: clinical testing. Allele origin: germline.
Comment: In summary, the available evidence is currently insufficient to determine the role of this variant in disease. Therefore, it has been classified as a Variant of Uncertain Significance. Algorithms developed to predict the effect of sequence changes on RNA splicing suggest that this variant may create or strengthen a splice site, but this prediction has not been confirmed by published transcriptional studies. Algorithms developed to predict the effect of missense changes on protein structure and function are either unavailable or do not agree on the potential impact of this missense change (SIFT: "Tolerated"; PolyPhen-2: "Probably Damaging"; Align-GVGD: "Class C0"). This variant has not been reported in the literature in individuals with DOCK7-related conditions. This variant is not present in population databases (ExAC no frequency). This sequence change replaces leucine with valine at codon 528 of the DOCK7 protein (p.Leu528Val). The leucine residue is highly conserved and there is a small physicochemical difference between leucine and valine.